The following is an entry in ClinVar:

ClinVar aggregate classification (germline): Likely benign (1 of 4 stars; one submission).

Submission:

CeGaT Center for Human Genetics Tuebingen
Classification: Likely benign. Last evaluated: 2026-06-01. Review status: criteria provided, single submitter. Criteria: CeGaT Center For Human Genetics Tuebingen Variant Classification Criteria Version 2. Collection method: clinical testing. Allele origin: germline. Affected: yes. Observed: 1 variant allele.
Comment: ODAD3: PM2:Supporting, BP4, BP7

NM_145045.5(ODAD3):c.570G>C (p.Leu190=)

Gene: ODAD3 (outer dynein arm docking complex subunit 3; minus strand). Cytogenetic location: 19p13.2.
Variant type: single nucleotide variant.
Coding change: c.570G>C on transcript NM_145045.5 (MANE Select); coding-DNA position 570, G replaced by C.
Protein change: p.Leu190=; no amino-acid change (leucine 190 retained).
Molecular consequence: synonymous variant.
Genome position (GRCh38, 1-based): chr19:11,426,915, C>G on the plus strand (G>C on the coding strand, the complement: ODAD3 is on the minus strand). VCF-style: chr19-11426915-C-G. GRCh37 (hg19) VCF-style: chr19-11537735-C-G.
Other names: c.408G>C, p.Leu136= (NM_001302453.1); c.492G>C, p.Leu164= (NM_001302454.2).
Identifiers: ClinVar variation 4873036 (VCV004873036.2).